The following is an entry in ClinVar:

ClinVar aggregate classification (germline): Benign/Likely benign. Review status: criteria provided, multiple submitters, no conflicts (2 of 4 stars). 6 submissions from 6 submitters: Benign (1); Likely benign (5). Last evaluated 2026-02-01.

Allele frequency attached by ClinVar (database versions not stated): 1000 Genomes Project 30x 0.00062; 1000 Genomes Project 0.00080; ExAC 0.00252; gnomAD exomes 0.00298 and 0.00402; gnomAD 0.00307 and 0.00332; ESP Exome Variant Server 0.00313; TOPMed 0.00380.
gnomAD v4.1: 6,301 of 1,581,052 alleles (0.4%); highest among the groups gnomAD compares: Non-Finnish European, 0.43%; 29 homozygotes.

Submissions (6):

CeGaT Center for Human Genetics Tuebingen
Classification: Likely benign. Last evaluated: 2026-02-01. Review status: criteria provided, single submitter. Criteria: CeGaT Center For Human Genetics Tuebingen Variant Classification Criteria Version 2. Collection method: clinical testing. Allele origin: germline. Affected: yes. Observed: 18 variant alleles.
Comment: HERC1: BP4, BS2

Labcorp Genetics (formerly Invitae), Labcorp
Classification: Likely benign. Last evaluated: 2026-01-15. Review status: criteria provided, single submitter. Criteria: Invitae Variant Classification Sherloc (09022015). Collection method: clinical testing. Allele origin: germline.

Blueprint Genetics
Classification: Likely benign. Last evaluated: 2024-11-22. Review status: criteria provided, single submitter. Criteria: ACMG Guidelines, 2015. Collection method: clinical testing. Allele origin: germline.

GeneDx
Classification: Likely benign. Last evaluated: 2020-10-16. Review status: criteria provided, single submitter. Criteria: GeneDx Variant Classification Process June 2021. Collection method: clinical testing. Allele origin: germline. Affected: yes.

Genetic Services Laboratory, University of Chicago
Classification: Benign. Last evaluated: 2018-02-28. Review status: criteria provided, single submitter. Criteria: ACMG Guidelines, 2015. Collection method: clinical testing. Allele origin: germline. Affected: no.

Breakthrough Genomics
Classification: Likely benign. Review status: criteria provided, single submitter. Criteria: ACMG Guidelines, 2015. Collection method: not provided. Allele origin: germline. Inheritance: Autosomal recessive inheritance. Affected: yes.

NM_003922.4(HERC1):c.6549+5T>C

Gene: HERC1 (HECT and RLD domain containing E3 ubiquitin protein ligase family member 1; minus strand). Cytogenetic location: 15q22.31.
Variant type: single nucleotide variant.
Coding change: c.6549+5T>C on transcript NM_003922.4 (MANE Select); 5 bases into the intron after coding-DNA position 6549, T replaced by C.
Molecular consequence: intron variant.
Genome position (GRCh38, 1-based): chr15:63,680,072, A>G on the plus strand (T>C on the coding strand, the complement: HERC1 is on the minus strand). VCF-style: chr15-63680072-A-G. GRCh37 (hg19) VCF-style: chr15-63972271-A-G.
Identifiers: ClinVar variation 781992 (VCV000781992.40), dbSNP rs191410508, ClinGen allele CA7605322.
Genomic context (GRCh38, chr15:63,680,072, plus strand): 5'-ACTCTATCTGATGCTAAACAATAAAATAACAAATATTCTTAAATAAAGGTTTGAGACTTC[A>G]TTACCTTTTCCCCTGGATTGCTACTATAGAACATCACACATGGGTACAACTCTGCTGCAT-3'